The following is an entry in ClinVar:

NM_177550.5(SLC13A5):c.1643G>A (p.Gly548Glu)

Gene: SLC13A5 (solute carrier family 13 member 5; minus strand). Cytogenetic location: 17p13.1.
Variant type: single nucleotide variant.
Coding change: c.1643G>A on transcript NM_177550.5 (MANE Select); coding-DNA position 1643, G replaced by A.
Protein change: p.Gly548Glu; replaces glycine 548 with glutamic acid.
Molecular consequence: missense variant.
Genome position (GRCh38, 1-based): chr17:6,686,271, C>T on the plus strand (G>A on the coding strand, the complement: SLC13A5 is on the minus strand). VCF-style: chr17-6686271-C-T. GRCh37 (hg19) VCF-style: chr17-6589590-C-T.
Other names: c.1505G>A, p.Gly502Glu (NM_001143838.3); c.1592G>A, p.Gly531Glu (NM_001284509.2); c.1514G>A, p.Gly505Glu (NM_001284510.2); short protein forms G531E, G502E, G505E, G548E.
Identifiers: ClinVar variation 2156028 (VCV002156028.1), dbSNP rs2544602963, ClinGen allele CA397736975.

ClinVar aggregate classification (germline): Uncertain significance (1 of 4 stars; one submission).

Conditions:
Developmental and epileptic encephalopathy, 25 (DEE25). Also called: Epileptic encephalopathy, early infantile, 25; Developmental and epileptic encephalopathy 25, with amelogenesis imperfecta; Epileptic encephalopathy, early infantile, 25, with amelogenesis imperfecta. Identifiers: Orphanet 442835, MedGen C4014621, MONDO:0014392, OMIM 615905.

gnomAD v4.1: 1 of 1,614,128 alleles (0.000062%); highest among the groups gnomAD compares: Non-Finnish European, 0.000085%; no homozygotes.

Submission:

Labcorp Genetics (formerly Invitae), Labcorp
Classification: Uncertain significance for Developmental and epileptic encephalopathy, 25. Last evaluated: 2022-07-26. Review status: criteria provided, single submitter. Criteria: Invitae Variant Classification Sherloc (09022015). Collection method: clinical testing. Allele origin: germline.
Comment: This sequence change replaces glycine, which is neutral and non-polar, with glutamic acid, which is acidic and polar, at codon 548 of the SLC13A5 protein (p.Gly548Glu). This variant is not present in population databases (gnomAD no frequency). This variant has not been reported in the literature in individuals affected with SLC13A5-related conditions. Algorithms developed to predict the effect of missense changes on protein structure and function are either unavailable or do not agree on the potential impact of this missense change (SIFT: "Tolerated"; PolyPhen-2: "Possibly Damaging"; Align-GVGD: "Class C0"). In summary, the available evidence is currently insufficient to determine the role of this variant in disease. Therefore, it has been classified as a Variant of Uncertain Significance.